The following is an entry in ClinVar:

ClinVar aggregate classification (germline): Uncertain significance (1 of 4 stars; one submission).

Allele frequency attached by ClinVar (database versions not stated): gnomAD exomes below 0.00001; gnomAD 0.00001; TOPMed 0.00001.
gnomAD v4.1: 4 of 1,613,818 alleles (0.00025%); highest among the groups gnomAD compares: East Asian, 0.0045%; no homozygotes.

Submission:

Labcorp Genetics (formerly Invitae), Labcorp
Classification: Uncertain significance. Last evaluated: 2023-11-04. Review status: criteria provided, single submitter. Criteria: Invitae Variant Classification Sherloc (09022015). Collection method: clinical testing. Allele origin: germline.
Comment: This sequence change falls in intron 3 of the TNS2 gene. It does not directly change the encoded amino acid sequence of the TNS2 protein. It affects a nucleotide within the consensus splice site. This variant is not present in population databases (gnomAD no frequency). This variant has not been reported in the literature in individuals affected with TNS2-related conditions. Variants that disrupt the consensus splice site are a relatively common cause of aberrant splicing (PMID: 17576681, 9536098). Algorithms developed to predict the effect of sequence changes on RNA splicing suggest that this variant is not likely to affect RNA splicing. In summary, the available evidence is currently insufficient to determine the role of this variant in disease. Therefore, it has been classified as a Variant of Uncertain Significance.

Literature cited by the submitters: PubMed 17576681; PubMed 9536098.

NM_170754.4(TNS2):c.222+3G>A

Genes: TNS2 (tensin 2; plus strand), TNS2-AS1 (TNS2 antisense RNA 1; minus strand). Cytogenetic location: 12q13.13.
Variant type: single nucleotide variant.
Coding change: c.222+3G>A on transcript NM_170754.4 (MANE Select); 3 bases into the intron after coding-DNA position 222, G replaced by A.
Molecular consequence: intron variant.
Genome position (GRCh38, 1-based): chr12:53,052,495, G>A. VCF-style: chr12-53052495-G-A. GRCh37 (hg19) VCF-style: chr12-53446279-G-A.
Other names: c.-151+3G>A (NM_198316.2); c.222+3G>A (NM_001416202.1, NM_001416204.1); c.153+3G>A (NM_001416203.1, NM_015319.3).
Identifiers: ClinVar variation 2878835 (VCV002878835.3), dbSNP rs1433510501, ClinGen allele CA689893582.